The following is an entry in ClinVar:

NM_000379.4(XDH):c.446G>A (p.Arg149His)

Gene: XDH (xanthine dehydrogenase; minus strand). Cytogenetic location: 2p23.1.
Variant type: single nucleotide variant.
Coding change: c.446G>A on transcript NM_000379.4 (MANE Select); coding-DNA position 446, G replaced by A.
Protein change: p.Arg149His; replaces arginine 149 with histidine.
Molecular consequence: missense variant.
Genome position (GRCh38, 1-based): chr2:31,397,717, C>T on the plus strand (G>A on the coding strand, the complement: XDH is on the minus strand). VCF-style: chr2-31397717-C-T. GRCh37 (hg19) VCF-style: chr2-31620583-C-T.
Other names: short protein forms R149H.
Identifiers: ClinVar variation 896002 (VCV000896002.15), dbSNP rs148108999, ClinGen allele CA1599630.

ClinVar aggregate classification (germline): Conflicting classifications of pathogenicity. Review status: criteria provided, conflicting classifications (1 of 4 stars). 4 submissions from 4 submitters: Likely pathogenic (1); Uncertain significance (3). Last evaluated 2023-11-22.

Conditions:
Xanthinuria type II. Also called: Xanthine dehydrogenase and aldehyde oxidase combined deficiency of; XDH and AOX dual deficiency. Identifiers: Orphanet 3467, Orphanet 93602, MedGen C1863688, MONDO:0011346, OMIM 603592.
Hereditary xanthinuria type 1 (XAN1). Identifiers: Orphanet 3467, Orphanet 93601, MedGen C0268118, MONDO:0010209, OMIM 278300.

Allele frequency attached by ClinVar (database versions not stated): ExAC 0.00004; gnomAD 0.00006; 1000 Genomes Project 30x 0.00016; TOPMed 0.00007; 1000 Genomes Project 0.00020; ESP Exome Variant Server 0.00008.

Submissions (4):

MVZ Medizinische Genetik Mainz
Classification: Likely pathogenic for Hereditary xanthinuria type 1. Last evaluated: 2023-11-22. Review status: criteria provided, single submitter. Criteria: UK Practice Guidelines For Variant Classification V4 01 2020. Collection method: clinical testing. Allele origin: germline. Inheritance: Autosomal recessive inheritance. Affected: yes. Observed: 1 variant allele.
Comment: ACMG Criteria: PM5,PP3_MOD,PM2_SUP,PM3_SUP,PP4

Labcorp Genetics (formerly Invitae), Labcorp
Classification: Uncertain significance for Xanthinuria type II. Last evaluated: 2022-08-16. Review status: criteria provided, single submitter. Criteria: Invitae Variant Classification Sherloc (09022015). Collection method: clinical testing. Allele origin: germline.
Comment: In summary, the available evidence is currently insufficient to determine the role of this variant in disease. Therefore, it has been classified as a Variant of Uncertain Significance. Algorithms developed to predict the effect of missense changes on protein structure and function (SIFT, PolyPhen-2, Align-GVGD) all suggest that this variant is likely to be disruptive. ClinVar contains an entry for this variant (Variation ID: 896002). This variant has not been reported in the literature in individuals affected with XDH-related conditions. This variant is present in population databases (rs148108999, gnomAD 0.04%). This sequence change replaces arginine, which is basic and polar, with histidine, which is basic and polar, at codon 149 of the XDH protein (p.Arg149His).

Fulgent Genetics
Classification: Uncertain significance for Hereditary xanthinuria type 1. Last evaluated: 2022-04-22. Review status: criteria provided, single submitter. Criteria: ACMG Guidelines, 2015. Collection method: clinical testing. Allele origin: unknown.

Illumina Laboratory Services, Illumina
Classification: Uncertain significance for Hereditary xanthinuria type 1. Last evaluated: 2017-04-28. Review status: criteria provided, single submitter. Criteria: ICSL Variant Classification Criteria 13 December 2019. Collection method: clinical testing. Allele origin: germline.